The following is an entry in ClinVar:

NM_014989.7(RIMS1):c.4548C>T (p.Phe1516=)

Gene: RIMS1 (regulating synaptic membrane exocytosis 1; plus strand). Cytogenetic location: 6q13.
Variant type: single nucleotide variant.
Coding change: c.4548C>T on transcript NM_014989.7 (MANE Select); coding-DNA position 4548, C replaced by T.
Protein change: p.Phe1516=; no amino-acid change (phenylalanine 1516 retained).
Molecular consequence: synonymous variant.
Genome position (GRCh38, 1-based): chr6:72,392,740, C>T. VCF-style: chr6-72392740-C-T. GRCh37 (hg19) VCF-style: chr6-73102442-C-T.
Other names: c.2508C>T, p.Phe836= (NM_001168407.2); c.1923C>T, p.Phe641= (NM_001168408.2, NM_001350430.2); c.1752C>T, p.Phe584= (NM_001168409.2); c.1950C>T, p.Phe650= (NM_001168410.2); c.129C>T, p.Phe43= (NM_001168411.2); c.2469C>T, p.Phe823= (NM_001350414.2); c.2565C>T, p.Phe855= (NM_001350415.2); c.2514C>T, p.Phe838= (NM_001350416.2); and 54 more.
Identifiers: ClinVar variation 260498 (VCV000260498.15), dbSNP rs2815738, ClinGen allele CA3886549.

ClinVar aggregate classification (germline): Benign. Review status: criteria provided, multiple submitters, no conflicts (2 of 4 stars). 4 submissions from 4 submitters: Benign (4). Last evaluated 2026-02-03.

Conditions:
Cone-rod dystrophy 7 (CORD7). Identifiers: Orphanet 1872, MedGen C1863634, MONDO:0011355, OMIM 603649.

Allele frequency attached by ClinVar (database versions not stated): gnomAD 0.20095 and 0.20033; gnomAD exomes 0.22830 and 0.20890; 1000 Genomes Project 0.15875; TOPMed 0.18944; ExAC 0.21242; 1000 Genomes Project 30x 0.15896; ESP Exome Variant Server 0.21349.
gnomAD v4.1: 363,131 of 1,611,926 alleles (23%); highest among the groups gnomAD compares: South Asian, 30%; 43,479 homozygotes.

Submissions (4):

Labcorp Genetics (formerly Invitae), Labcorp
Classification: Benign. Last evaluated: 2026-02-03. Review status: criteria provided, single submitter. Criteria: Invitae Variant Classification Sherloc (09022015). Collection method: clinical testing. Allele origin: germline.

GeneDx
Classification: Benign. Last evaluated: 2018-04-26. Review status: criteria provided, single submitter. Criteria: GeneDx Variant Classification (06012015). Collection method: clinical testing. Allele origin: germline. Affected: yes.
Comment: This variant is considered likely benign or benign based on one or more of the following criteria: it is a conservative change, it occurs at a poorly conserved position in the protein, it is predicted to be benign by multiple in silico algorithms, and/or has population frequency not consistent with disease.

Illumina Laboratory Services, Illumina
Classification: Benign for Cone-rod dystrophy 7. Last evaluated: 2018-01-13. Review status: criteria provided, single submitter. Criteria: ICSL Variant Classification Criteria 13 December 2019. Collection method: clinical testing. Allele origin: germline.
Comment: This variant was observed in the ICSL laboratory as part of a predisposition screen in an ostensibly healthy population. It had not been previously curated by ICSL or reported in the Human Gene Mutation Database (HGMD: prior to June 1st, 2018), and was therefore a candidate for classification through an automated scoring system. Utilizing variant allele frequency, disease prevalence and penetrance estimates, and inheritance mode, an automated score was calculated to assess if this variant is too frequent to cause the disease. Based on the score and internal cut-off values, a variant classified as benign is not then subjected to further curation. The score for this variant resulted in a classification of benign for this disease.

PreventionGenetics, part of Exact Sciences
Classification: Benign. Review status: criteria provided, single submitter. Criteria: ACMG Guidelines, 2015. Collection method: clinical testing. Allele origin: germline.